The following is an entry in ClinVar:

ClinVar aggregate classification (germline): Uncertain significance (1 of 4 stars; one submission).

Submission:

Labcorp Genetics (formerly Invitae), Labcorp
Classification: Uncertain significance. Last evaluated: 2025-08-19. Review status: criteria provided, single submitter. Criteria: Invitae Variant Classification Sherloc (09022015). Collection method: clinical testing. Allele origin: germline.
Comment: This sequence change replaces alanine, which is neutral and non-polar, with threonine, which is neutral and polar, at codon 48 of the RAX2 protein (p.Ala48Thr). This variant is not present in population databases (gnomAD no frequency). This variant has not been reported in the literature in individuals affected with RAX2-related conditions. An algorithm developed to predict the effect of missense changes on protein structure and function outputs the following: PolyPhen-2: "Benign". The threonine amino acid residue is found in multiple mammalian species, which suggests that this missense change does not adversely affect protein function. In summary, the available evidence is currently insufficient to determine the role of this variant in disease. Therefore, it has been classified as a Variant of Uncertain Significance.

NM_001319074.4(RAX2):c.142G>A (p.Ala48Thr)

Gene: RAX2 (retina and anterior neural fold homeobox 2; minus strand). Cytogenetic location: 19p13.3.
Variant type: single nucleotide variant.
Coding change: c.142G>A on transcript NM_001319074.4 (MANE Select); coding-DNA position 142, G replaced by A.
Protein change: p.Ala48Thr; replaces alanine 48 with threonine.
Molecular consequence: missense variant.
Genome position (GRCh38, 1-based): chr19:3,771,601, C>T on the plus strand (G>A on the coding strand, the complement: RAX2 is on the minus strand). VCF-style: chr19-3771601-C-T. GRCh37 (hg19) VCF-style: chr19-3771599-C-T.
Other names: c.142G>A, p.Ala48Thr (NM_032753.4); short protein forms A48T.
Identifiers: ClinVar variation 4725392 (VCV004725392.1).